The following is an entry in ClinVar:

NM_130849.4(SLC39A4):c.1160T>C (p.Leu387Pro)

Gene: SLC39A4 (solute carrier family 39 member 4; minus strand). Cytogenetic location: 8q24.3.
Variant type: single nucleotide variant.
Coding change: c.1160T>C on transcript NM_130849.4 (MANE Select); coding-DNA position 1160, T replaced by C.
Protein change: p.Leu387Pro; replaces leucine 387 with proline.
Molecular consequence: missense variant.
Genome position (GRCh38, 1-based): chr8:144,414,085, A>G on the plus strand (T>C on the coding strand, the complement: SLC39A4 is on the minus strand). VCF-style: chr8-144414085-A-G. GRCh37 (hg19) VCF-style: chr8-145639469-A-G.
Other names: c.878T>C, p.Leu293Pro (NM_001374839.1); c.1085T>C, p.Leu362Pro (NM_017767.3); c.1160T>C (NM_130849.3); short protein forms L293P, L362P, L387P.
Identifiers: ClinVar variation 2605928 (VCV002605928.3), dbSNP rs1159656091, ClinGen allele CA372620231.

ClinVar aggregate classification (germline): Uncertain significance. Review status: criteria provided, multiple submitters, no conflicts (2 of 4 stars). 2 submissions from 2 submitters: Uncertain significance (2). Last evaluated 2023-06-23.

Conditions:
Inborn genetic diseases. Identifiers: MedGen C0950123, MeSH D030342.
SLC39A4-related disorder. Also called: SLC39A4-related condition.

Allele frequency attached by ClinVar (database versions not stated): gnomAD exomes 0.00001.
gnomAD v4.1: 7 of 1,558,018 alleles (0.00045%); highest among the groups gnomAD compares: Admixed American, 0.0097%; no homozygotes.

Submissions (2):

Ambry Genetics
Classification: Uncertain significance for Inborn genetic diseases. Last evaluated: 2023-06-23. Review status: criteria provided, single submitter. Criteria: Ambry Variant Classification Scheme 2023. Collection method: clinical testing. Allele origin: germline.

PreventionGenetics, part of Exact Sciences
Classification: Uncertain significance for SLC39A4-related condition. Last evaluated: 2022-11-24. Review status: criteria provided, single submitter. Criteria: ACMG Guidelines, 2015. Collection method: clinical testing. Allele origin: germline.
Comment: The SLC39A4 c.1160T>C variant is predicted to result in the amino acid substitution p.Leu387Pro. To our knowledge, this variant has not been reported in the literature. This variant is reported in 0.024% of alleles in individuals of Latino descent in gnomAD. At this time, the clinical significance of this variant is uncertain due to the absence of conclusive functional and genetic evidence.